The following is an entry in ClinVar:

NM_022336.4(EDAR):c.1130T>C (p.Leu377Pro)

Genes: EDAR (ectodysplasin A receptor; minus strand), RANBP2 (RAN binding protein 2; plus strand). Cytogenetic location: 2q13.
Variant type: single nucleotide variant.
Coding change: c.1130T>C on transcript NM_022336.4 (MANE Select); coding-DNA position 1130, T replaced by C.
Protein change: p.Leu377Pro; replaces leucine 377 with proline.
Molecular consequence: missense variant.
Genome position (GRCh38, 1-based): chr2:108,897,124, A>G on the plus strand (T>C on the coding strand, the complement: EDAR is on the minus strand). VCF-style: chr2-108897124-A-G. GRCh37 (hg19) VCF-style: chr2-109513580-A-G.
Other names: short protein forms L377P.
Identifiers: ClinVar variation 840729 (VCV000840729.10), dbSNP rs1696613834, ClinGen allele CA348048159.

ClinVar aggregate classification (germline): Conflicting classifications of pathogenicity. Review status: criteria provided, conflicting classifications (1 of 4 stars). 2 submissions from 2 submitters: Likely pathogenic (1); Uncertain significance (1). Last evaluated 2025-11-26.

Conditions:
Ectodermal dysplasia. Also called: Ectodermal dysplasia syndrome. Identifiers: Orphanet 79373, MedGen C0013575, MONDO:0019287, HP:0000968.
Ectodermal dysplasia 10A, hypohidrotic/hair/nail type, autosomal dominant (ECTD10A). Also called: Ectodermal Dysplasia 3, Anhidrotic. Identifiers: Orphanet 1810, Orphanet 238468, MedGen C3888065, MONDO:0007509, OMIM 129490.
Autosomal recessive hypohidrotic ectodermal dysplasia syndrome. Also called: Autosomal recessive hypohidrotic ectodermal dysplasia. Identifiers: Orphanet 248, MedGen C0406702, MONDO:0016619.

Submissions (2):

Genetics Laboratory, Great Ormond Street Hospital NHS Foundation Trust, North Thames Genomic Laboratory Hub
Classification: Likely pathogenic for Ectodermal dysplasia. Last evaluated: 2025-11-26. Review status: criteria provided, single submitter. Criteria: ACGS Best Practice Guidelines for Variant Classification in Rare Disease 2024 v1.2. Collection method: clinical testing. Allele origin: germline. Affected: yes.
Comment: PS4_supporting, PM2_moderate, PP3_supporting, PM1_supporting, PP1_supporting

Labcorp Genetics (formerly Invitae), Labcorp
Classification: Uncertain significance for Ectodermal dysplasia 10A, hypohidrotic/hair/nail type, autosomal dominant; Autosomal recessive hypohidrotic ectodermal dysplasia syndrome. Last evaluated: 2020-03-05. Review status: criteria provided, single submitter. Criteria: Invitae Variant Classification Sherloc (09022015). Collection method: clinical testing. Allele origin: germline.
Comment: This sequence change replaces leucine with proline at codon 377 of the EDAR protein (p.Leu377Pro). The leucine residue is highly conserved and there is a moderate physicochemical difference between leucine and proline. This variant is not present in population databases (ExAC no frequency). Algorithms developed to predict the effect of missense changes on protein structure and function (SIFT, PolyPhen-2, Align-GVGD) all suggest that this variant is likely to be disruptive, but these predictions have not been confirmed by published functional studies and their clinical significance is uncertain. In summary, the available evidence is currently insufficient to determine the role of this variant in disease. Therefore, it has been classified as a Variant of Uncertain Significance.